The following is an entry in ClinVar:

ClinVar aggregate classification (germline): Uncertain significance (1 of 4 stars; one submission).

Submission:

Women's Health and Genetics/Laboratory Corporation of America, LabCorp
Classification: Uncertain significance. Last evaluated: 2025-12-30. Review status: criteria provided, single submitter. Criteria: LabCorp Variant Classification Summary - May 2015. Collection method: clinical testing. Allele origin: germline.
Comment: Variant summary: The variant involves the duplication of exons 1-8 in the IL2RG gene. A presumed nomenclature of c.(?_-39)_(*333_?)dup has been designated for the purposes of this classification. This duplication includes the entire coding sequence of the gene. As exact breakpoints are unknown, it may extend beyond the annotated region of the gene, to include other flanking genes. The variant was absent in 16120 control chromosomes. The available data on variant occurrences in the general population are insufficient to allow any conclusion about variant significance. To our knowledge, no occurrence of c.(?_-39)_(*333_?)dup in individuals affected with IL2RG-related conditions and no experimental evidence demonstrating its impact on protein function have been reported. ClinVar contains an entry for this variant (Variation ID: 2422586). Based on the evidence outlined above, the variant was classified as uncertain significance.

NC_000023.10:g.(?_70327253)_(70331428_?)dup

Gene: IL2RG (interleukin 2 receptor subunit gamma; minus strand). Cytogenetic location: Xq13.1.
Variant type: Duplication.
Identifiers: ClinVar variation 4688520 (VCV004688520.1).